The following is an entry in ClinVar:

NM_080680.3(COL11A2):c.2737-93T>C

Gene: COL11A2 (collagen type XI alpha 2 chain; minus strand). Cytogenetic location: 6p21.32.
Variant type: single nucleotide variant.
Coding change: c.2737-93T>C on transcript NM_080680.3 (MANE Select); 93 bases into the intron before coding-DNA position 2737, T replaced by C.
Molecular consequence: intron variant.
Genome position (GRCh38, 1-based): chr6:33,173,206, A>G on the plus strand (T>C on the coding strand, the complement: COL11A2 is on the minus strand). VCF-style: chr6-33173206-A-G. GRCh37 (hg19) VCF-style: chr6-33140983-A-G.
Other names: c.2416-93T>C (NM_080679.3); c.2479-93T>C (NM_080681.3).
Identifiers: ClinVar variation 674774 (VCV000674774.1), dbSNP rs2855432, ClinGen allele CA12189108.

ClinVar aggregate classification (germline): Benign (1 of 4 stars; one submission).

Allele frequency attached by ClinVar (database versions not stated): gnomAD 0.77323; TOPMed 0.79418; 1000 Genomes Project 0.86941; 1000 Genomes Project 30x 0.87149.
gnomAD v4.1: 1,139,790 of 1,532,690 alleles (74%); highest among the groups gnomAD compares: East Asian, 98%; 427,901 homozygotes.

Submission:

GeneDx
Classification: Benign. Last evaluated: 2018-06-13. Review status: criteria provided, single submitter. Criteria: GeneDx Variant Classification (06012015). Collection method: clinical testing. Allele origin: germline. Affected: yes.
Comment: This variant is considered likely benign or benign based on one or more of the following criteria: it is a conservative change, it occurs at a poorly conserved position in the protein, it is predicted to be benign by multiple in silico algorithms, and/or has population frequency not consistent with disease.